The following is an entry in ClinVar:

NM_016006.6(ABHD5):c.314A>G (p.Tyr105Cys)

Gene: ABHD5 (abhydrolase domain containing 5, lysophosphatidic acid acyltransferase; plus strand). Cytogenetic location: 3p21.33.
Variant type: single nucleotide variant.
Coding change: c.314A>G on transcript NM_016006.6 (MANE Select); coding-DNA position 314, A replaced by G.
Protein change: p.Tyr105Cys; replaces tyrosine 105 with cysteine.
Molecular consequence: missense variant. On other transcripts: non-coding transcript variant (1).
Genome position (GRCh38, 1-based): chr3:43,702,395, A>G. VCF-style: chr3-43702395-A-G. GRCh37 (hg19) VCF-style: chr3-43743887-A-G.
Other names: c.314A>G, p.Tyr105Cys (NM_001355186.2, NM_001365650.1); c.191A>G, p.Tyr64Cys (NM_001365649.1); short protein forms Y105C, Y64C.
Identifiers: ClinVar variation 2029774 (VCV002029774.4), dbSNP rs1000849111, ClinGen allele CA74391590.

ClinVar aggregate classification (germline): Uncertain significance (1 of 4 stars; one submission).

Allele frequency attached by ClinVar (database versions not stated): gnomAD 0.00001; TOPMed 0.00003.
gnomAD v4.1: 11 of 1,614,086 alleles (0.00068%); highest among the groups gnomAD compares: African/African-American, 0.0013%; no homozygotes.

Submission:

Labcorp Genetics (formerly Invitae), Labcorp
Classification: Uncertain significance. Last evaluated: 2022-04-06. Review status: criteria provided, single submitter. Criteria: Invitae Variant Classification Sherloc (09022015). Collection method: clinical testing. Allele origin: germline.
Comment: In summary, the available evidence is currently insufficient to determine the role of this variant in disease. Therefore, it has been classified as a Variant of Uncertain Significance. Algorithms developed to predict the effect of missense changes on protein structure and function are either unavailable or do not agree on the potential impact of this missense change (SIFT: "Deleterious"; PolyPhen-2: "Possibly Damaging"; Align-GVGD: "Class C15"). This variant has not been reported in the literature in individuals affected with ABHD5-related conditions. This variant is present in population databases (no rsID available, gnomAD 0.0009%). This sequence change replaces tyrosine, which is neutral and polar, with cysteine, which is neutral and slightly polar, at codon 105 of the ABHD5 protein (p.Tyr105Cys).